The following is an entry in ClinVar:

NM_052867.4(NALCN):c.1765-6T>G

Gene: NALCN (sodium leak channel, non-selective; minus strand). Cytogenetic location: 13q33.1.
Variant type: single nucleotide variant.
Coding change: c.1765-6T>G on transcript NM_052867.4 (MANE Select); 6 bases into the intron before coding-DNA position 1765, T replaced by G.
Molecular consequence: intron variant.
Genome position (GRCh38, 1-based): chr13:101,176,380, A>C on the plus strand (T>G on the coding strand, the complement: NALCN is on the minus strand). VCF-style: chr13-101176380-A-C. GRCh37 (hg19) VCF-style: chr13-101828731-A-C.
Other names: c.1678-6T>G (NM_001350751.2, NM_001350750.2); c.1765-6T>G (NM_001350749.2, NM_001350748.2).
Identifiers: ClinVar variation 706160 (VCV000706160.14), dbSNP rs370198465, ClinGen allele CA7036070.

ClinVar aggregate classification (germline): Conflicting classifications of pathogenicity. Review status: criteria provided, conflicting classifications (1 of 4 stars). 4 submissions from 4 submitters: Uncertain significance (2); Likely benign (2). Last evaluated 2026-04-29.

Conditions:
NALCN-related disorder. Also called: NALCN-related disorders; NALCN-related condition.

Allele frequency attached by ClinVar (database versions not stated): gnomAD 0.00005; gnomAD exomes 0.00006 and 0.00009; ExAC 0.00008; TOPMed 0.00011; ESP Exome Variant Server 0.00015.
gnomAD v4.1: 86 of 1,587,316 alleles (0.0054%); highest among the groups gnomAD compares: Non-Finnish European, 0.0072%; no homozygotes.

Submissions (4):

PreventionGenetics, part of Exact Sciences
Classification: Likely benign for NALCN-related condition. Last evaluated: 2026-04-29. Review status: criteria provided, single submitter. Criteria: ACMG Guidelines, 2015. Collection method: clinical testing. Allele origin: germline.
Comment: This variant is classified as likely benign based on ACMG/AMP sequence variant interpretation guidelines (Richards et al. 2015 PMID: 25741868, with internal and published modifications).

Labcorp Genetics (formerly Invitae), Labcorp
Classification: Likely benign. Last evaluated: 2024-10-27. Review status: criteria provided, single submitter. Criteria: Invitae Variant Classification Sherloc (09022015). Collection method: clinical testing. Allele origin: germline.

Blueprint Genetics
Classification: Uncertain significance. Last evaluated: 2024-10-16. Review status: criteria provided, single submitter. Criteria: ACMG Guidelines, 2015. Collection method: clinical testing. Allele origin: germline.

GeneDx
Classification: Uncertain significance. Last evaluated: 2023-09-20. Review status: criteria provided, single submitter. Criteria: GeneDx Variant Classification Process June 2021. Collection method: clinical testing. Allele origin: germline. Affected: yes.
Comment: In silico analysis supports that this variant does not alter splicing; Has not been previously published as pathogenic or benign to our knowledge; This variant is associated with the following publications: (PMID: 27535533)